The following is an entry in ClinVar:

NM_206933.4(USH2A):c.176G>A (p.Gly59Glu)

Gene: USH2A (usherin; minus strand). Cytogenetic location: 1q41.
Variant type: single nucleotide variant.
Coding change: c.176G>A on transcript NM_206933.4 (MANE Select); coding-DNA position 176, G replaced by A.
Protein change: p.Gly59Glu; replaces glycine 59 with glutamic acid.
Molecular consequence: missense variant.
Genome position (GRCh38, 1-based): chr1:216,422,161, C>T on the plus strand (G>A on the coding strand, the complement: USH2A is on the minus strand). VCF-style: chr1-216422161-C-T. GRCh37 (hg19) VCF-style: chr1-216595503-C-T.
Other names: c.176G>A (NM_206933.2); c.176G>A, p.Gly59Glu (NM_007123.6); short protein forms G59E.
Identifiers: ClinVar variation 986887 (VCV000986887.15), dbSNP rs1378799607, ClinGen allele CA344904669.
Genomic context (GRCh38, chr1:216,422,161, plus strand): 5'-CAGAACTGAATACTTTCAGCAGCAGCAGAGCTGTGACAAAAAGTGCTTCGGTCTGGGAGT[C>T]CACATACTGCTTGGGTTGGCACGATGGAAACTTTCTTGAAAGCTCCCACGTTCTCCAGCC-3'
Protein context (NP_996816.3, residues 49-69): VSIVPTQAVC[Gly59Glu]LPDRSTFCHS

ClinVar aggregate classification (germline): Likely pathogenic. Review status: criteria provided, multiple submitters, no conflicts (2 of 4 stars). 7 submissions from 7 submitters: Likely pathogenic (7). Last evaluated 2026-06-22.

Conditions:
Retinitis pigmentosa 39 (RP39). Identifiers: Orphanet 791, MedGen C3151138, MONDO:0013436, OMIM 613809.
USH2A-related disorder. Also called: USH2A-related disorders; USH2A-related condition. Identifiers: MedGen CN239332.
Retinal dystrophy. Also called: Inherited retinal dystrophy. Identifiers: Orphanet 71862, MedGen C0854723, MeSH D058499, MONDO:0019118, HP:0000556.
Usher syndrome type 2A. Also called: RETINAL DISEASE IN USHER SYNDROME TYPE IIA, MODIFIER OF; USHER SYNDROME, TYPE IIA. Identifiers: Orphanet 231178, Orphanet 886, MedGen C1848634, MONDO:0010169, OMIM 276901.

Allele frequency attached by ClinVar (database versions not stated): gnomAD exomes below 0.00001; TOPMed below 0.00001; gnomAD 0.00001.
gnomAD v4.1: 4 of 1,613,600 alleles (0.00025%); highest among the groups gnomAD compares: East Asian, 0.0022%; no homozygotes.

Submissions (7):

Myriad Genetics, Inc.
Classification: Likely pathogenic for USH2A-related disorder. Last evaluated: 2026-06-22. Review status: criteria provided, single submitter. Criteria: Myriad Autosomal Dominant, Autosomal Recessive and X-Linked Classification Criteria (2023). Collection method: clinical testing. Allele origin: unknown.
Comment: NM_206933.2(USH2A):c.176G>A(G59E) is a missense variant classified as likely pathogenic in the context of USH2A-related disorders. G59E has been observed in cases with relevant disease (PMID: 23591405, 32531858, 39462066). Relevant functional assessments of this variant are not available in the literature. G59E has been observed in referenced population frequency databases. In summary, NM_206933.2(USH2A):c.176G>A(G59E) is a missense variant that has been observed more frequently in cases with the relevant disease than in healthy populations. Please note: this variant was assessed in the context of healthy population screening.

Natera, Inc.
Classification: Likely pathogenic for Usher syndrome type 2A. Last evaluated: 2025-09-23. Review status: criteria provided, single submitter. Criteria: Natera Variant Classification Schema (03/2026). Collection method: clinical testing. Allele origin: germline.
Comment: The c.176G>A variant in USH2A is a missense variant predicted to cause substitution of glycine to glutamic acid at amino acid 59. This variant is rare in the general population with a frequency below the threshold expected for the associated phenotype(s). This variant has been observed in one or more individuals affected with the associated recessive disease, as either homozygous or compound heterozygous with a second variant (PMID: 39462066, 32531858). Additionally, this variant has been observed to segregate in affected family members (PMID: 32531858). Computational prediction algorithms indicate this variant is likely to affect gene or protein function. Given the available evidence, this variant is classified as Likely Pathogenic.

Labcorp Genetics (formerly Invitae), Labcorp
Classification: Likely pathogenic. Last evaluated: 2025-01-27. Review status: criteria provided, single submitter. Criteria: Invitae Variant Classification Sherloc (09022015). Collection method: clinical testing. Allele origin: germline.
Comment: This sequence change replaces glycine, which is neutral and non-polar, with glutamic acid, which is acidic and polar, at codon 59 of the USH2A protein (p.Gly59Glu). This variant is present in population databases (no rsID available, gnomAD 0.002%). This missense change has been observed in individual(s) with retinitis pigmentosa and/or Usher syndrome (PMID: 23591405, 32531858; internal data). ClinVar contains an entry for this variant (Variation ID: 986887). Invitae Evidence Modeling of protein sequence and biophysical properties (such as structural, functional, and spatial information, amino acid conservation, physicochemical variation, residue mobility, and thermodynamic stability) has been performed for this missense variant. However, the output from this modeling did not meet the statistical confidence thresholds required to predict the impact of this variant on USH2A protein function. This variant disrupts the p.Gly59 amino acid residue in USH2A. Other variant(s) that disrupt this residue have been observed in individuals with USH2A-related conditions (PMID: 36819107), which suggests that this may be a clinically significant amino acid residue. In summary, the currently available evidence indicates that the variant is pathogenic, but additional data are needed to prove that conclusively. Therefore, this variant has been classified as Likely Pathogenic.

Baylor Genetics
Classification: Likely pathogenic for Retinitis pigmentosa 39. Last evaluated: 2024-02-05. Review status: criteria provided, single submitter. Criteria: ACMG Guidelines, 2015. Collection method: clinical testing. Allele origin: unknown.

Blueprint Genetics
Classification: Likely pathogenic for USH2A-related disorders. Last evaluated: 2022-09-28. Review status: criteria provided, single submitter. Criteria: ACMG Guidelines, 2015. Collection method: clinical testing. Allele origin: germline. Affected: yes. Observed: 2 variant alleles.

Institute of Medical Genetics and Applied Genomics, University Hospital Tübingen
Classification: Likely pathogenic. Last evaluated: 2020-10-23. Review status: criteria provided, single submitter. Criteria: ACMG Guidelines, 2015. Collection method: clinical testing. Allele origin: germline. Inheritance: Unknown mechanism. Affected: yes.

Institute of Human Genetics, Univ. Regensburg, Univ. Regensburg
Classification: Likely pathogenic for Retinal dystrophy. Last evaluated: 2019-01-01. Review status: criteria provided, single submitter. Criteria: ACMG Guidelines, 2015. Collection method: clinical testing. Allele origin: germline. Affected: yes.

Literature cited by the submitters: PubMed 23591405 (cited by 3 submitters); PubMed 32531858 (cited by 4 submitters); PubMed 39462066 (cited by Myriad Genetics, Inc. and Natera, Inc.); PubMed 36819107 (cited by Labcorp Genetics (formerly Invitae), Labcorp); PubMed 31964843 (cited by Institute of Human Genetics, Univ. Regensburg, Univ. Regensburg).